The following is an entry in ClinVar:

NM_004304.5(ALK):c.3644C>T (p.Pro1215Leu)

Gene: ALK (ALK receptor tyrosine kinase; minus strand). Cytogenetic location: 2p23.2.
Variant type: single nucleotide variant.
Coding change: c.3644C>T on transcript NM_004304.5 (MANE Select); coding-DNA position 3644, C replaced by T.
Protein change: p.Pro1215Leu; replaces proline 1215 with leucine.
Molecular consequence: missense variant.
Genome position (GRCh38, 1-based): chr2:29,220,707, G>A on the plus strand (C>T on the coding strand, the complement: ALK is on the minus strand). VCF-style: chr2-29220707-G-A. GRCh37 (hg19) VCF-style: chr2-29443573-G-A.
Other names: c.440C>T, p.Pro147Leu (NM_001353765.2); short protein forms P1215L, P147L.
Identifiers: ClinVar variation 538241 (VCV000538241.15), dbSNP rs779222532, ClinGen allele CA1593837.

ClinVar aggregate classification (germline): Uncertain significance. Review status: criteria provided, multiple submitters, no conflicts (2 of 4 stars). 3 submissions from 3 submitters: Uncertain significance (3). Last evaluated 2025-08-03.

Conditions:
Hereditary cancer-predisposing syndrome. Also called: Neoplastic Syndromes, Hereditary; Tumor predisposition; Hereditary Cancer Syndrome; Hereditary neoplastic syndrome. Identifiers: Orphanet 140162, MedGen C0027672, MeSH D009386, MONDO:0015356.
Neuroblastoma, susceptibility to, 3. Also called: ALK-Related Neuroblastic Tumor Susceptibility. Identifiers: Orphanet 635, MedGen C2751681, MONDO:0013083, OMIM 613014.

Allele frequency attached by ClinVar (database versions not stated): TOPMed 0.00001; ExAC 0.00003.
gnomAD v4.1: 18 of 1,613,526 alleles (0.0011%); highest among the groups gnomAD compares: East Asian, 0.0067%; no homozygotes.

Submissions (3):

Labcorp Genetics (formerly Invitae), Labcorp
Classification: Uncertain significance for Neuroblastoma, susceptibility to, 3. Last evaluated: 2025-08-03. Review status: criteria provided, single submitter. Criteria: Invitae Variant Classification Sherloc (09022015). Collection method: clinical testing. Allele origin: germline.
Comment: This sequence change replaces proline, which is neutral and non-polar, with leucine, which is neutral and non-polar, at codon 1215 of the ALK protein (p.Pro1215Leu). This variant is present in population databases (rs779222532, gnomAD 0.006%). This variant has not been reported in the literature in individuals affected with ALK-related conditions. ClinVar contains an entry for this variant (Variation ID: 538241). An algorithm developed to predict the effect of missense changes on protein structure and function (PolyPhen-2) suggests that this variant is likely to be disruptive. In summary, the available evidence is currently insufficient to determine the role of this variant in disease. Therefore, it has been classified as a Variant of Uncertain Significance.

Ambry Genetics
Classification: Uncertain significance for Hereditary cancer-predisposing syndrome. Last evaluated: 2024-03-06. Review status: criteria provided, single submitter. Criteria: Ambry Variant Classification Scheme 2023. Collection method: clinical testing. Allele origin: germline.
Comment: The p.P1215L variant (also known as c.3644C>T), located in coding exon 23 of the ALK gene, results from a C to T substitution at nucleotide position 3644. The proline at codon 1215 is replaced by leucine, an amino acid with similar properties. This amino acid position is not well conserved in available vertebrate species. In addition, the in silico prediction for this alteration is inconclusive. Since supporting evidence is limited at this time, the clinical significance of this alteration remains unclear.

GeneDx
Classification: Uncertain significance. Last evaluated: 2023-10-18. Review status: criteria provided, single submitter. Criteria: GeneDx Variant Classification Process June 2021. Collection method: clinical testing. Allele origin: germline. Affected: yes.
Comment: Not observed at significant frequency in large population cohorts (gnomAD); In silico analysis supports that this missense variant has a deleterious effect on protein structure/function; Has not been previously published as pathogenic or benign to our knowledge; This variant is associated with the following publications: (PMID: 35620707, 23239810)